The following is an entry in ClinVar:

ClinVar aggregate classification (germline): Likely pathogenic (1 of 4 stars; one submission).

Conditions:
Epilepsy, progressive myoclonic, 11. Identifiers: MedGen C5394362, MONDO:0030034, OMIM 618876.

Submission:

3billion
Classification: Likely pathogenic for Epilepsy, progressive myoclonic, 11. Last evaluated: 2025-02-03. Review status: criteria provided, single submitter. Criteria: ACMG Guidelines, 2015. Collection method: clinical testing. Allele origin: germline. Affected: yes.
Comment: The variant is not observed in the gnomAD v4.1.0 dataset. Predicted Consequence/Location: Frameshift: predicted to result in a loss or disruption of normal protein function through protein truncation. The predicted truncated protein may be shortened by more than 10%. Therefore, this variant is classified as Likely pathogenic according to the recommendation of ACMG/AMP guideline.

NM_032108.4(SEMA6B):c.1988_1991del (p.Gly663fs)

Gene: SEMA6B (semaphorin 6B; minus strand). Cytogenetic location: 19p13.3.
Variant type: Deletion.
Coding change: c.1988_1991del on transcript NM_032108.4 (MANE Select); coding-DNA positions 1988 to 1991, 4 bases deleted (GGGG; older notation c.1988_1991delGGGG).
Protein change: p.Gly663fs; shifts the reading frame from glycine 663.
Molecular consequence: frameshift variant.
Genome position (GRCh38, 1-based): chr19:4,544,277-4,544,280, CCCC deleted on the plus strand (GGGG on the coding strand, the reverse complement: SEMA6B is on the minus strand); deleting any 4 consecutive bases within chr19:4,544,277-4,544,281 gives the same sequence; the c. name uses the placement nearest the transcript's 3' end. VCF-style (leftmost placement, unchanged base first): chr19-4544276-GCCCC-G. GRCh37 (hg19) VCF-style: chr19-4544288-GCCCC-G.
Other names: short protein forms G663fs.
Identifiers: ClinVar variation 4293230 (VCV004293230.1).